The following is an entry in ClinVar:

NM_001289.6(CLIC2):c.706G>A (p.Glu236Lys)

Gene: CLIC2 (CLIC family member 2; minus strand). Cytogenetic location: Xq28.
Variant type: single nucleotide variant.
Coding change: c.706G>A on transcript NM_001289.6 (MANE Select); coding-DNA position 706, G replaced by A.
Protein change: p.Glu236Lys; replaces glutamic acid 236 with lysine.
Molecular consequence: missense variant.
Genome position (GRCh38, 1-based): chrX:155,277,941, C>T on the plus strand (G>A on the coding strand, the complement: CLIC2 is on the minus strand). VCF-style: chrX-155277941-C-T. GRCh37 (hg19) VCF-style: chrX-154507230-C-T.
Other names: short protein forms E236K.
Identifiers: ClinVar variation 1695329 (VCV001695329.31), dbSNP rs2124144368, ClinGen allele CA414930333.

ClinVar aggregate classification (germline): Uncertain significance (1 of 4 stars; one submission).

Allele frequency attached by ClinVar (database versions not stated): gnomAD exomes below 0.00001.
gnomAD v4.1: 1 of 1,210,199 alleles (0.000083%); highest among the groups gnomAD compares: Non-Finnish European, 0.00011%; no homozygotes.

Submission:

CeGaT Center for Human Genetics Tuebingen
Classification: Uncertain significance. Last evaluated: 2023-03-01. Review status: criteria provided, single submitter. Criteria: CeGaT Center For Human Genetics Tuebingen Variant Classification Criteria Version 2. Collection method: clinical testing. Allele origin: germline. Affected: yes. Observed: 1 variant allele.
Comment: CLIC2: PM2